The following is an entry in ClinVar:

NM_000021.4(PSEN1):c.*3632G>A

Gene: PSEN1 (presenilin 1; plus strand). Cytogenetic location: 14q24.2.
Variant type: single nucleotide variant.
Coding change: c.*3632G>A on transcript NM_000021.4 (MANE Select); 3632 bases downstream of the stop codon, G replaced by A.
Molecular consequence: 3 prime UTR variant.
Genome position (GRCh38, 1-based): chr14:73,222,921, G>A. VCF-style: chr14-73222921-G-A. GRCh37 (hg19) VCF-style: chr14-73689629-G-A.
Other names: c.*3632G>A (NM_007318.3).
Identifiers: ClinVar variation 313998 (VCV000313998.8), dbSNP rs362393, ClinGen allele CA10644672.
Genomic context (GRCh38, chr14:73,222,921, plus strand): 5'-AACAGTTTGACCTGCCCTTCTCCTCACCTCCTCACCTGCCTTCCAACATTGAATTTGGAA[G>A]GAGACGTGAAAATTGGACATTTGGTTTTGCCCTTGGGCTGGAAACTATCATATAATCATA-3'

ClinVar aggregate classification (germline): Benign/Likely benign. Review status: criteria provided, multiple submitters, no conflicts (2 of 4 stars). 4 submissions from 3 submitters: Benign (2); Likely benign (2). Last evaluated 2021-05-15.

Conditions:
Dilated cardiomyopathy 1U. Identifiers: Orphanet 154, MedGen C3160720, MONDO:0013371, OMIM 613694.
Alzheimer disease 3 (AD3). Also called: ALZHEIMER DISEASE, FAMILIAL, 3. Identifiers: Orphanet 1020, MedGen C1843013, MONDO:0011913, OMIM 607822.

Allele frequency attached by ClinVar (database versions not stated): 1000 Genomes Project 0.05911; 1000 Genomes Project 30x 0.07261; gnomAD 0.09758 and 0.10183; TOPMed 0.09934.

Submissions (4):

GeneDx
Classification: Benign. Last evaluated: 2021-05-15. Review status: criteria provided, single submitter. Criteria: GeneDx Variant Classification Process June 2021. Collection method: clinical testing. Allele origin: germline. Affected: yes.

Illumina Laboratory Services, Illumina
Classification: Likely benign for Dilated cardiomyopathy 1U. Last evaluated: 2018-01-12. Review status: criteria provided, single submitter. Criteria: ICSL Variant Classification Criteria 13 December 2019. Collection method: clinical testing. Allele origin: germline.
Comment: This variant was observed in the ICSL laboratory as part of a predisposition screen in an ostensibly healthy population. It had not been previously curated by ICSL or reported in the Human Gene Mutation Database (HGMD: prior to June 1st, 2018), and was therefore a candidate for classification through an automated scoring system. Utilizing variant allele frequency, disease prevalence and penetrance estimates, and inheritance mode, an automated score was calculated to assess if this variant is too frequent to cause the disease. Based on the score and internal cut-off values, a variant classified as likely benign is not then subjected to further curation. The score for this variant resulted in a classification of likely benign for this disease.

Illumina Laboratory Services, Illumina
Classification: Benign for Alzheimer disease 3. Last evaluated: 2018-01-12. Review status: criteria provided, single submitter. Criteria: ICSL Variant Classification Criteria 13 December 2019. Collection method: clinical testing. Allele origin: germline.
Comment: This variant was observed in the ICSL laboratory as part of a predisposition screen in an ostensibly healthy population. It had not been previously curated by ICSL or reported in the Human Gene Mutation Database (HGMD: prior to June 1st, 2018), and was therefore a candidate for classification through an automated scoring system. Utilizing variant allele frequency, disease prevalence and penetrance estimates, and inheritance mode, an automated score was calculated to assess if this variant is too frequent to cause the disease. Based on the score and internal cut-off values, a variant classified as benign is not then subjected to further curation. The score for this variant resulted in a classification of benign for this disease.

Breakthrough Genomics
Classification: Likely benign. Review status: criteria provided, single submitter. Criteria: ACMG Guidelines, 2015. Collection method: not provided. Allele origin: germline. Inheritance: Autosomal dominant inheritance. Affected: yes.